The following is an entry in ClinVar:

ClinVar aggregate classification (germline): Uncertain significance. Review status: criteria provided, multiple submitters, no conflicts (2 of 4 stars). 2 submissions from 2 submitters: Uncertain significance (2). Last evaluated 2025-07-09.

Conditions:
Cardiovascular phenotype. Identifiers: MedGen CN230736.
DiGeorge syndrome. Also called: THIRD AND FOURTH PHARYNGEAL POUCH SYNDROME; Catch22. Identifiers: Orphanet 567, MedGen C0012236, MONDO:0008564, OMIM 188400.

Submissions (2):

Labcorp Genetics (formerly Invitae), Labcorp
Classification: Uncertain significance for DiGeorge syndrome. Last evaluated: 2025-07-09. Review status: criteria provided, single submitter. Criteria: Invitae Variant Classification Sherloc (09022015). Collection method: clinical testing. Allele origin: germline.
Comment: This sequence change replaces glycine, which is neutral and non-polar, with glutamic acid, which is acidic and polar, at codon 428 of the TBX1 protein (p.Gly428Glu). This variant is not present in population databases (gnomAD no frequency). This variant has not been reported in the literature in individuals affected with TBX1-related conditions. ClinVar contains an entry for this variant (Variation ID: 3174916). An algorithm developed to predict the effect of missense changes on protein structure and function (PolyPhen-2) suggests that this variant is likely to be disruptive. In summary, the available evidence is currently insufficient to determine the role of this variant in disease. Therefore, it has been classified as a Variant of Uncertain Significance.

Ambry Genetics
Classification: Uncertain significance for Cardiovascular phenotype. Last evaluated: 2024-01-29. Review status: criteria provided, single submitter. Criteria: Ambry Variant Classification Scheme 2023. Collection method: clinical testing. Allele origin: germline.

NM_001379200.1(TBX1):c.1310G>A (p.Gly437Glu)

Gene: TBX1 (T-box transcription factor 1; plus strand). Cytogenetic location: 22q11.21.
Variant type: single nucleotide variant.
Coding change: c.1310G>A on transcript NM_001379200.1 (MANE Select); coding-DNA position 1310, G replaced by A.
Protein change: p.Gly437Glu; replaces glycine 437 with glutamic acid.
Molecular consequence: missense variant. On other transcripts: intron variant (2).
Genome position (GRCh38, 1-based): chr22:19,766,662, G>A. VCF-style: chr22-19766662-G-A. GRCh37 (hg19) VCF-style: chr22-19754185-G-A.
Other names: c.1283G>A, p.Gly428Glu (NM_080647.1); c.1009+660G>A (NM_005992.1, NM_080646.2); short protein forms G428E, G437E.
Identifiers: ClinVar variation 3174916 (VCV003174916.2), dbSNP rs2517858871, ClinGen allele CA410684943.